The following is an entry in ClinVar:

ClinVar aggregate classification (germline): Pathogenic (1 of 4 stars; one submission).

Submission:

Labcorp Genetics (formerly Invitae), Labcorp
Classification: Pathogenic. Last evaluated: 2024-03-20. Review status: criteria provided, single submitter. Criteria: Invitae Variant Classification Sherloc (09022015). Collection method: clinical testing. Allele origin: germline.
Comment: This sequence change creates a premature translational stop signal (p.Lys159Argfs*12) in the DPYS gene. It is expected to result in an absent or disrupted protein product. Loss-of-function variants in DPYS are known to be pathogenic (PMID: 20362666). This variant is not present in population databases (gnomAD no frequency). This premature translational stop signal has been observed in individual(s) with dihydropyrimidinase deficiency (PMID: 20362666). Algorithms developed to predict the effect of sequence changes on RNA splicing suggest that this variant may disrupt the consensus splice site. For these reasons, this variant has been classified as Pathogenic.

Literature cited by the submitters: PubMed 20362666.

NM_001385.3(DPYS):c.476del (p.Lys159fs)

Gene: DPYS (dihydropyrimidinase; minus strand). Cytogenetic location: 8q22.3.
Variant type: Deletion.
Coding change: c.476del on transcript NM_001385.3 (MANE Select); coding-DNA position 476, one base deleted (A; older notation c.476delA).
Protein change: p.Lys159fs; shifts the reading frame from lysine 159.
Molecular consequence: frameshift variant.
Genome position (GRCh38, 1-based): chr8:104,447,451, T deleted on the plus strand (A on the coding strand, the reverse complement: DPYS is on the minus strand); the first of 2 consecutive T bases (chr8:104,447,451-104,447,452); deleting either gives the same sequence. VCF-style (leftmost placement, unchanged base first): chr8-104447450-CT-C. GRCh37 (hg19) VCF-style: chr8-105459678-CT-C.
Other names: short protein forms K159fs.
Identifiers: ClinVar variation 3720857 (VCV003720857.2).